The following is an entry in ClinVar:

NM_001127392.3(MYRF):c.2074C>G (p.Leu692Val)

Gene: MYRF (myelin regulatory factor; plus strand). Cytogenetic location: 11q12.2.
Variant type: single nucleotide variant.
Coding change: c.2074C>G on transcript NM_001127392.3 (MANE Select); coding-DNA position 2074, C replaced by G.
Protein change: p.Leu692Val; replaces leucine 692 with valine.
Molecular consequence: missense variant.
Genome position (GRCh38, 1-based): chr11:61,779,323, C>G. VCF-style: chr11-61779323-C-G. GRCh37 (hg19) VCF-style: chr11-61546795-C-G.
Other names: c.2047C>G, p.Leu683Val (NM_013279.4); short protein forms L683V, L692V.
Identifiers: ClinVar variation 929446 (VCV000929446.1), dbSNP rs1162309498, ClinGen allele CA380858378.

ClinVar aggregate classification (germline): Likely pathogenic (1 of 4 stars; one submission).

Conditions:
Cardiac-urogenital syndrome (CUGS). Also called: MYRF-Related Cardiac Urogenital Syndrome. Identifiers: Orphanet 647811, MedGen C4748946, MONDO:0032653, OMIM 618280.

Submission:

HudsonAlpha Institute for Biotechnology
Classification: Likely pathogenic for Cardiac-urogenital syndrome. Last evaluated: 2020-04-02. Review status: criteria provided, single submitter. Criteria: ACMG Guidelines, 2015. Collection method: research. Allele origin: de novo. Affected: yes. Observed: 1 variant allele. Study: CSER-SouthSeq.
Comment: ACMG codes: PS2, PM2, PP3